The following is an entry in ClinVar:

ClinVar aggregate classification (germline): Uncertain significance (1 of 4 stars; one submission).

Submission:

Labcorp Genetics (formerly Invitae), Labcorp
Classification: Uncertain significance. Last evaluated: 2025-11-25. Review status: criteria provided, single submitter. Criteria: Invitae Variant Classification Sherloc (09022015). Collection method: clinical testing. Allele origin: germline.
Comment: This sequence change creates a premature translational stop signal (p.Leu1772Ilefs*2) in the LAMB1 gene. While this is not anticipated to result in nonsense mediated decay, it is expected to disrupt the last 15 amino acid(s) of the LAMB1 protein. This variant is not present in population databases (gnomAD no frequency). This variant has not been reported in the literature in individuals affected with LAMB1-related conditions. Experimental studies and prediction algorithms are not available or were not evaluated, and the functional significance of this variant is currently unknown. In summary, the available evidence is currently insufficient to determine the role of this variant in disease. Therefore, it has been classified as a Variant of Uncertain Significance.

NM_002291.3(LAMB1):c.5237_5312dup (p.Leu1771_Leu1772insIleTer)

Gene: LAMB1 (laminin subunit beta 1; minus strand). Cytogenetic location: 7q31.1.
Variant type: Duplication.
Coding change: c.5237_5312dup on transcript NM_002291.3 (MANE Select); coding-DNA positions 5237 to 5312, 76 bases duplicated.
Protein change: p.Leu1771_Leu1772insIleTer.
Molecular consequence: nonsense.
Genome position (GRCh38, 1-based): chr7:107,924,000-107,924,075, 76 bases duplicated. GRCh37 (hg19): chr7:107,564,445-107,564,520.
Identifiers: ClinVar variation 4773762 (VCV004773762.1).